The following is an entry in ClinVar:

ClinVar aggregate classification (germline): Uncertain significance (1 of 4 stars; one submission).

gnomAD v4.1: 24 of 1,614,164 alleles (0.0015%); highest among the groups gnomAD compares: East Asian, 0.0022%; no homozygotes.

Submission:

Ambry Genetics
Classification: Uncertain significance. Last evaluated: 2023-10-06. Review status: criteria provided, single submitter. Criteria: Ambry Variant Classification Scheme 2023. Collection method: clinical testing. Allele origin: germline.
Comment: The p.T84A variant (also known as c.250A>G), located in coding exon 1 of the PALLD gene, results from an A to G substitution at nucleotide position 250. The threonine at codon 84 is replaced by alanine, an amino acid with similar properties. This amino acid position is conserved. In addition, this alteration is predicted to be tolerated by in silico analysis. Since supporting evidence is limited at this time, the clinical significance of this alteration remains unclear.

NM_001166108.2(PALLD):c.250A>G (p.Thr84Ala)

Gene: PALLD (palladin, cytoskeletal associated protein; plus strand). Cytogenetic location: 4q32.3.
Variant type: single nucleotide variant.
Coding change: c.250A>G on transcript NM_001166108.2 (MANE Select); coding-DNA position 250, A replaced by G.
Protein change: p.Thr84Ala; replaces threonine 84 with alanine.
Molecular consequence: missense variant.
Genome position (GRCh38, 1-based): chr4:168,511,754, A>G. VCF-style: chr4-168511754-A-G. GRCh37 (hg19) VCF-style: chr4-169432905-A-G.
Other names: c.250A>G, p.Thr84Ala (NM_016081.4); short protein forms T84A.
Identifiers: ClinVar variation 1792358 (VCV001792358.2), dbSNP rs377371167, ClinGen allele CA3135325.